The following is an entry in ClinVar:

NM_006623.4(PHGDH):c.1258del (p.Glu420fs)

Gene: PHGDH (phosphoglycerate dehydrogenase; plus strand). Cytogenetic location: 1p12.
Variant type: Deletion.
Coding change: c.1258del on transcript NM_006623.4 (MANE Select); coding-DNA position 1258, one base deleted (G; older notation c.1258delG).
Protein change: p.Glu420fs; shifts the reading frame from glutamic acid 420.
Molecular consequence: frameshift variant.
Genome position (GRCh38, 1-based): chr1:119,742,855, G deleted; the last of 4 consecutive G bases (chr1:119,742,852-119,742,855); deleting any one gives the same sequence. VCF-style (leftmost placement, unchanged base first): chr1-119742851-CG-C. GRCh37 (hg19) VCF-style: chr1-120285474-CG-C.
Other names: short protein forms E420fs.
Identifiers: ClinVar variation 2008171 (VCV002008171.4), dbSNP rs2464203249, ClinGen allele CA2580060900.

ClinVar aggregate classification (germline): Pathogenic (1 of 4 stars; one submission).

Conditions:
PHGDH deficiency. Identifiers: Orphanet 79351, MedGen C1866174, MONDO:0011152, OMIM 601815.

Submission:

Labcorp Genetics (formerly Invitae), Labcorp
Classification: Pathogenic for PHGDH deficiency. Last evaluated: 2022-06-18. Review status: criteria provided, single submitter. Criteria: Invitae Variant Classification Sherloc (09022015). Collection method: clinical testing. Allele origin: germline.
Comment: For these reasons, this variant has been classified as Pathogenic. This variant disrupts a region of the PHGDH protein in which other variant(s) (p.Trp506*) have been determined to be pathogenic (PMID: 30348640). This suggests that this is a clinically significant region of the protein, and that variants that disrupt it are likely to be disease-causing. This variant has not been reported in the literature in individuals affected with PHGDH-related conditions. This variant is not present in population databases (gnomAD no frequency). This sequence change creates a premature translational stop signal (p.Glu420Asnfs*62) in the PHGDH gene. While this is not anticipated to result in nonsense mediated decay, it is expected to disrupt the last 114 amino acid(s) of the PHGDH protein.

Literature cited by the submitters: PubMed 30348640.